The following is an entry in ClinVar:

ClinVar aggregate classification (germline): Pathogenic/Likely pathogenic. Review status: criteria provided, multiple submitters, no conflicts (2 of 4 stars). 2 submissions from 2 submitters: Pathogenic (1); Likely pathogenic (1). Last evaluated 2024-08-21.

Conditions:
Hereditary breast ovarian cancer syndrome. Also called: Hereditary breast and ovarian cancer syndrome (HBOC); Hereditary breast and/or ovarian cancer syndrome; Hereditary breast and ovarian cancer; BRCA1- and BRCA2-Associated Hereditary Breast and Ovarian Cancer; Hereditary breast and ovarian cancer syndrome; Breast and ovarian cancer. Identifiers: Orphanet 145, MedGen C0677776, MeSH D061325, MONDO:0003582. Disease mechanism: loss of function.

Submissions (2):

Labcorp Genetics (formerly Invitae), Labcorp
Classification: Pathogenic for Hereditary breast ovarian cancer syndrome. Last evaluated: 2024-08-21. Review status: criteria provided, single submitter. Criteria: Invitae Variant Classification Sherloc (09022015). Collection method: clinical testing. Allele origin: germline.
Comment: This sequence change creates a premature translational stop signal (p.Asp560Ilefs*12) in the BRCA1 gene. It is expected to result in an absent or disrupted protein product. Loss-of-function variants in BRCA1 are known to be pathogenic (PMID: 20104584). This variant is not present in population databases (gnomAD no frequency). This variant has not been reported in the literature in individuals affected with BRCA1-related conditions. ClinVar contains an entry for this variant (Variation ID: 1071595). For these reasons, this variant has been classified as Pathogenic.

Quest Diagnostics Nichols Institute San Juan Capistrano
Classification: Likely pathogenic. Last evaluated: 2024-01-04. Review status: criteria provided, single submitter. Criteria: Quest Diagnostics criteria. Collection method: clinical testing. Allele origin: unknown.
Comment: The BRCA1 c.1677del (p.Asp560Ilefs*12) variant alters the translational reading frame of the BRCA1 mRNA and is predicted to cause the premature termination of BRCA1 protein synthesis. This variant has not been reported in individuals with BRCA1-related conditions in the published literature. This variant has not been reported in large, multi-ethnic general populations (Genome Aggregation Database). Based on the available information, this variant is classified as likely pathogenic.

Literature cited by the submitters: PubMed 20104584 (cited by Labcorp Genetics (formerly Invitae), Labcorp).

NM_007294.4(BRCA1):c.1677del (p.Asp560fs)

Gene: BRCA1 (BRCA1 DNA repair associated; minus strand). Cytogenetic location: 17q21.31.
Variant type: Deletion.
Coding change: c.1677del on transcript NM_007294.4 (MANE Select); coding-DNA position 1677, one base deleted (T; older notation c.1677delT).
Protein change: p.Asp560fs; shifts the reading frame from aspartic acid 560.
Molecular consequence: frameshift variant. On other transcripts: intron variant (137).
Genome position (GRCh38, 1-based): chr17:43,093,854, A deleted on the plus strand (T on the coding strand, the reverse complement: BRCA1 is on the minus strand). VCF-style (leftmost placement, unchanged base first): chr17-43093853-CA-C. GRCh37 (hg19) VCF-style: chr17-41245870-CA-C.
Other names: c.1464del, p.Asp489fs (NM_001407571.1, NM_001407853.1, NM_001407894.1 and 9 more transcripts); c.1677del, p.Asp560fs (NM_001407581.1, NM_001407582.1, NM_001407583.1 and 30 more transcripts); c.1674del, p.Asp559fs (NM_001407587.1, NM_001407590.1, NM_001407591.1 and 22 more transcripts); c.1668del, p.Asp557fs (NM_001407646.1, NM_001407647.1); c.1554del, p.Asp519fs (NM_001407648.1, NM_001407664.1, NM_001407665.1 and 19 more transcripts); c.1551del, p.Asp518fs (NM_001407649.1, NM_001407670.1, NM_001407671.1 and 11 more transcripts); c.1599del, p.Asp534fs (NM_001407653.1, NM_001407654.1, NM_001407655.1 and 4 more transcripts); c.1596del, p.Asp533fs (NM_001407659.1, NM_001407660.1, NM_001407661.1 and 1 more transcripts); and 42 more; short protein forms D513fs, D560fs, D432fs, D448fs, D449fs, D512fs, D519fs, D471fs.
Identifiers: ClinVar variation 1071595 (VCV001071595.17), dbSNP rs2154430698, ClinGen allele CA2499224539.